The following is an entry in ClinVar:

ClinVar aggregate classification (germline): Pathogenic (1 of 4 stars; one submission).

Conditions:
Fanconi anemia (FA). Also called: Fanconi's anemia. Identifiers: Orphanet 84, MedGen C0015625, MeSH D005199, MONDO:0019391.

Submission:

Labcorp Genetics (formerly Invitae), Labcorp
Classification: Pathogenic for Fanconi anemia. Last evaluated: 2022-08-31. Review status: criteria provided, single submitter. Criteria: Invitae Variant Classification Sherloc (09022015). Collection method: clinical testing. Allele origin: germline.
Comment: For these reasons, this variant has been classified as Pathogenic. This variant has not been reported in the literature in individuals affected with FANCM-related conditions. This variant is not present in population databases (gnomAD no frequency). This sequence change creates a premature translational stop signal (p.Ser752*) in the FANCM gene. It is expected to result in an absent or disrupted protein product. Loss-of-function variants in FANCM are known to be pathogenic (PMID: 29895858, 30075111).

Literature cited by the submitters: PubMed 29895858; PubMed 30075111.

NM_020937.4(FANCM):c.2255del (p.His751_Ser752insTer)

Gene: FANCM (FA complementation group M; plus strand). Cytogenetic location: 14q21.2.
Variant type: Deletion.
Coding change: c.2255del on transcript NM_020937.4 (MANE Select); coding-DNA position 2255, one base deleted (C; older notation c.2255delC).
Protein change: p.His751_Ser752insTer.
Molecular consequence: nonsense.
Genome position (GRCh38, 1-based): chr14:45,173,149, C deleted. VCF-style (leftmost placement, unchanged base first): chr14-45173148-TC-T. GRCh37 (hg19) VCF-style: chr14-45642351-TC-T.
Other names: c.2177del, p.His725_Ser726insTer (NM_001308133.2).
Identifiers: ClinVar variation 2152178 (VCV002152178.4), dbSNP rs2503172927, ClinGen allele CA2580088129.
Genomic context (GRCh38, chr14:45,173,148, plus strand): 5'-TCTCTCTCTGAATGGAGACTGTGGCAAGATCATCCTTTGCCTACACATCAAGTTGATCAC[TC>T]AGATCGATGCCGCCATTTTATAGGCCTTATGCAAATGATAGAGGGAATGAGACACGAAGA-3'